The following is an entry in ClinVar:

NM_014423.4(AFF4):c.1975C>T (p.Leu659Phe)

Gene: AFF4 (ALF transcription elongation factor 4; minus strand). Cytogenetic location: 5q31.1.
Variant type: single nucleotide variant.
Coding change: c.1975C>T on transcript NM_014423.4 (MANE Select); coding-DNA position 1975, C replaced by T.
Protein change: p.Leu659Phe; replaces leucine 659 with phenylalanine.
Molecular consequence: missense variant.
Genome position (GRCh38, 1-based): chr5:132,896,655, G>A on the plus strand (C>T on the coding strand, the complement: AFF4 is on the minus strand). VCF-style: chr5-132896655-G-A. GRCh37 (hg19) VCF-style: chr5-132232347-G-A.
Other names: c.1975C>T (NM_014423.3); short protein forms L659F.
Identifiers: ClinVar variation 2991028 (VCV002991028.4), dbSNP rs772962003, ClinGen allele CA3409020.

ClinVar aggregate classification (germline): Uncertain significance. Review status: criteria provided, multiple submitters, no conflicts (2 of 4 stars). 2 submissions from 2 submitters: Uncertain significance (2). Last evaluated 2024-11-14.

Conditions:
AFF4-related disorder. Also called: AFF4-related condition.
Cognitive impairment - coarse facies - heart defects - obesity - pulmonary involvement - short stature - skeletal dysplasia syndrome. Also called: COGNITIVE IMPAIRMENT, COARSE FACIES, HEART DEFECTS, OBESITY, PULMONARY INVOLVEMENT, SHORT STATURE, AND SKELETAL DYSPLASIA; Chops syndrome; AFF4-Related CHOPS Syndrome. Identifiers: Orphanet 444077, MedGen C4085597, MONDO:0014609, OMIM 616368.

Allele frequency attached by ClinVar (database versions not stated): gnomAD exomes below 0.00001; TOPMed below 0.00001; ExAC 0.00001.
gnomAD v4.1: 2 of 1,614,026 alleles (0.00012%); highest among the groups gnomAD compares: Non-Finnish European, 0.00017%; no homozygotes.

Submissions (2):

PreventionGenetics, part of Exact Sciences
Classification: Uncertain significance for AFF4-related condition. Last evaluated: 2024-11-14. Review status: criteria provided, single submitter. Criteria: ACMG Guidelines, 2015. Collection method: clinical testing. Allele origin: germline.
Comment: The AFF4 c.1975C>T variant is predicted to result in the amino acid substitution p.Leu659Phe. To our knowledge, this variant has not been reported in the literature. This variant is reported in 0.0018% of alleles in individuals of European (non-Finnish) descent in gnomAD. At this time, the clinical significance of this variant is uncertain due to the absence of conclusive functional and genetic evidence.

Labcorp Genetics (formerly Invitae), Labcorp
Classification: Uncertain significance for Cognitive impairment - coarse facies - heart defects - obesity - pulmonary involvement - short stature - skeletal dysplasia syndrome. Last evaluated: 2023-09-17. Review status: criteria provided, single submitter. Criteria: Invitae Variant Classification Sherloc (09022015). Collection method: clinical testing. Allele origin: germline.
Comment: In summary, the available evidence is currently insufficient to determine the role of this variant in disease. Therefore, it has been classified as a Variant of Uncertain Significance. Advanced modeling of protein sequence and biophysical properties (such as structural, functional, and spatial information, amino acid conservation, physicochemical variation, residue mobility, and thermodynamic stability) performed at Invitae indicates that this missense variant is not expected to disrupt AFF4 protein function. This variant has not been reported in the literature in individuals affected with AFF4-related conditions. This variant is present in population databases (rs772962003, gnomAD 0.002%). This sequence change replaces leucine, which is neutral and non-polar, with phenylalanine, which is neutral and non-polar, at codon 659 of the AFF4 protein (p.Leu659Phe).